The following is an entry in ClinVar:

NM_032043.3(BRIP1):c.*2809_*2815dup

Gene: BRIP1 (BRCA1 interacting DNA helicase 1; minus strand). Cytogenetic location: 17q23.2.
Variant type: Duplication.
Coding change: c.*2809_*2815dup on transcript NM_032043.3 (MANE Select); 2809 bases downstream of the stop codon through 2815 bases downstream of the stop codon, 7 bases duplicated (AAAAAAA; older notation c.*2809_*2815dupAAAAAAA).
Molecular consequence: 3 prime UTR variant.
Genome position (GRCh38, 1-based): chr17:61,680,481-61,680,487, TTTTTTT duplicated on the plus strand (AAAAAAA on the coding strand, the reverse complement: BRIP1 is on the minus strand); duplicating any 7 consecutive bases within chr17:61,680,481-61,680,497 gives the same sequence; the c. name uses the placement nearest the transcript's 3' end. VCF-style (leftmost placement, unchanged base first): chr17-61680480-C-CTTTTTTT. GRCh37 (hg19) VCF-style: chr17-59757841-C-CTTTTTTT.
Identifiers: ClinVar variation 2648000 (VCV002648000.24), dbSNP rs768910110, ClinGen allele CA773767364.

ClinVar aggregate classification (germline): Likely benign (1 of 4 stars; one submission).

Submission:

CeGaT Center for Human Genetics Tuebingen
Classification: Likely benign. Last evaluated: 2023-01-01. Review status: criteria provided, single submitter. Criteria: CeGaT Center For Human Genetics Tuebingen Variant Classification Criteria Version 2. Collection method: clinical testing. Allele origin: germline. Affected: yes. Observed: 2 variant alleles.
Comment: BRIP1: BS2